The following is an entry in ClinVar:

NM_177550.5(SLC13A5):c.1437+1G>T

Gene: SLC13A5 (solute carrier family 13 member 5; minus strand). Cytogenetic location: 17p13.1.
Variant type: single nucleotide variant.
Coding change: c.1437+1G>T on transcript NM_177550.5 (MANE Select); the canonical splice donor site of the intron after coding-DNA position 1437, G replaced by T.
Molecular consequence: splice donor variant.
Genome position (GRCh38, 1-based): chr17:6,690,778, C>A on the plus strand (G>T on the coding strand, the complement: SLC13A5 is on the minus strand). VCF-style: chr17-6690778-C-A. GRCh37 (hg19) VCF-style: chr17-6594097-C-A.
Other names: c.1308+1G>T (NM_001284510.2); c.1386+1G>T (NM_001284509.2); c.1437+1G>T (NM_001143838.3).
Identifiers: ClinVar variation 3672406 (VCV003672406.2).

ClinVar aggregate classification (germline): Likely pathogenic (1 of 4 stars; one submission).

Conditions:
Developmental and epileptic encephalopathy, 25 (DEE25). Also called: Developmental and epileptic encephalopathy 25, with amelogenesis imperfecta; Epileptic encephalopathy, early infantile, 25, with amelogenesis imperfecta; Epileptic encephalopathy, early infantile, 25. Identifiers: Orphanet 442835, MedGen C4014621, MONDO:0014392, OMIM 615905.

Submission:

Labcorp Genetics (formerly Invitae), Labcorp
Classification: Likely pathogenic for Developmental and epileptic encephalopathy, 25. Last evaluated: 2024-04-18. Review status: criteria provided, single submitter. Criteria: Invitae Variant Classification Sherloc (09022015). Collection method: clinical testing. Allele origin: germline.
Comment: This sequence change affects a donor splice site in intron 10 of the SLC13A5 gene. It is expected to disrupt RNA splicing. Variants that disrupt the donor or acceptor splice site typically lead to a loss of protein function (PMID: 16199547), and loss-of-function variants in SLC13A5 are known to be pathogenic (PMID: 24995870, 26384929). This variant is not present in population databases (gnomAD no frequency). This variant has not been reported in the literature in individuals affected with SLC13A5-related conditions. Algorithms developed to predict the effect of sequence changes on RNA splicing suggest that this variant may disrupt the consensus splice site. In summary, the currently available evidence indicates that the variant is pathogenic, but additional data are needed to prove that conclusively. Therefore, this variant has been classified as Likely Pathogenic.

Literature cited by the submitters: PubMed 16199547; PubMed 24995870; PubMed 26384929.